The following is an entry in ClinVar:

NM_001260.3(CDK8):c.584T>C (p.Val195Ala)

Gene: CDK8 (cyclin dependent kinase 8; plus strand). Cytogenetic location: 13q12.13.
Variant type: single nucleotide variant.
Coding change: c.584T>C on transcript NM_001260.3 (MANE Select); coding-DNA position 584, T replaced by C.
Protein change: p.Val195Ala; replaces valine 195 with alanine.
Molecular consequence: missense variant.
Genome position (GRCh38, 1-based): chr13:26,385,280, T>C. VCF-style: chr13-26385280-T-C. GRCh37 (hg19) VCF-style: chr13-26959417-T-C.
Other names: c.584T>C, p.Val195Ala (NM_001318368.2); c.65T>C, p.Val22Ala (NM_001346501.2); short protein forms V195A, V22A.
Identifiers: ClinVar variation 3371496 (VCV003371496.2).

ClinVar aggregate classification (germline): Likely pathogenic (1 of 4 stars; one submission).

Submission:

GeneDx
Classification: Likely pathogenic. Last evaluated: 2025-09-16. Review status: criteria provided, single submitter. Criteria: GeneDx Variant Classification Process June 2021. Collection method: clinical testing. Allele origin: germline. Affected: yes.
Comment: Not observed at significant frequency in large population cohorts (gnomAD); In silico analysis supports that this missense variant has a deleterious effect on protein structure/function; Has not been previously published as pathogenic or benign to our knowledge